The following is an entry in ClinVar:

NM_001079866.2(BCS1L):c.209A>G (p.His70Arg)

Gene: BCS1L (BCS1 homolog, ubiquinol-cytochrome c reductase complex chaperone; plus strand). Cytogenetic location: 2q35.
Variant type: single nucleotide variant.
Coding change: c.209A>G on transcript NM_001079866.2 (MANE Select); coding-DNA position 209, A replaced by G.
Protein change: p.His70Arg; replaces histidine 70 with arginine.
Molecular consequence: missense variant. On other transcripts: 5 prime UTR variant (5), non-coding transcript variant (1), intron variant (3).
Genome position (GRCh38, 1-based): chr2:218,661,196, A>G. VCF-style: chr2-218661196-A-G. GRCh37 (hg19) VCF-style: chr2-219525919-A-G.
Other names: c.209A>G, p.His70Arg (NM_001257342.2, NM_001257343.2, NM_001257344.2 and 10 more transcripts); c.-268A>G (NM_001371453.1, NM_001371454.1, NM_001371455.1 and 2 more transcripts); c.-40-210A>G (NM_001371451.1, NM_001318836.2); c.-41-563A>G (NM_001371452.1); short protein forms H70R.
Identifiers: ClinVar variation 283781 (VCV000283781.6), dbSNP rs765613671, ClinGen allele CA2109626.

ClinVar aggregate classification (germline): Uncertain significance. Review status: criteria provided, multiple submitters, no conflicts (2 of 4 stars). 2 submissions from 2 submitters: Uncertain significance (2). Last evaluated 2022-08-08.

Allele frequency attached by ClinVar (database versions not stated): TOPMed 0.00001; ExAC 0.00002.
gnomAD v4.1: 5 of 1,614,178 alleles (0.00031%); highest among the groups gnomAD compares: East Asian, 0.0089%; no homozygotes.

Submissions (2):

Labcorp Genetics (formerly Invitae), Labcorp
Classification: Uncertain significance. Last evaluated: 2022-08-08. Review status: criteria provided, single submitter. Criteria: Invitae Variant Classification Sherloc (09022015). Collection method: clinical testing. Allele origin: germline.
Comment: This sequence change replaces histidine, which is basic and polar, with arginine, which is basic and polar, at codon 70 of the BCS1L protein (p.His70Arg). This variant is present in population databases (rs765613671, gnomAD 0.02%). This variant has not been reported in the literature in individuals affected with BCS1L-related conditions. ClinVar contains an entry for this variant (Variation ID: 283781). Advanced modeling of protein sequence and biophysical properties (such as structural, functional, and spatial information, amino acid conservation, physicochemical variation, residue mobility, and thermodynamic stability) performed at Invitae indicates that this missense variant is not expected to disrupt BCS1L protein function. In summary, the available evidence is currently insufficient to determine the role of this variant in disease. Therefore, it has been classified as a Variant of Uncertain Significance.

Eurofins Ntd Llc (ga)
Classification: Uncertain significance. Last evaluated: 2015-10-13. Review status: criteria provided, single submitter. Criteria: EGL Classification Definitions 2015. Collection method: clinical testing. Allele origin: germline. Observed: 1 variant allele, 1 heterozygote.